The following is an entry in ClinVar:

NM_000038.6(APC):c.4349G>A (p.Arg1450Gln)

Gene: APC (APC regulator of Wnt signaling pathway; plus strand). Cytogenetic location: 5q22.2.
Variant type: single nucleotide variant.
Coding change: c.4349G>A on transcript NM_000038.6 (MANE Select); coding-DNA position 4349, G replaced by A.
Protein change: p.Arg1450Gln; replaces arginine 1450 with glutamine.
Molecular consequence: missense variant.
Genome position (GRCh38, 1-based): chr5:112,839,943, G>A. VCF-style: chr5-112839943-G-A. GRCh37 (hg19) VCF-style: chr5-112175640-G-A.
Other names: c.4349G>A, p.Arg1450Gln (NM_001127510.3, NM_001354895.2); c.4295G>A, p.Arg1432Gln (NM_001127511.3); c.4403G>A, p.Arg1468Gln (NM_001354896.2); c.4379G>A, p.Arg1460Gln (NM_001354897.2); c.4274G>A, p.Arg1425Gln (NM_001354898.2); c.4265G>A, p.Arg1422Gln (NM_001354899.2); c.4226G>A, p.Arg1409Gln (NM_001354900.2); c.4172G>A, p.Arg1391Gln (NM_001354901.2); and 5 more; short protein forms R1432Q, R1450Q, R1167Q, R1290Q, R1359Q, R1425Q, R1460Q, R1422Q.
Identifiers: ClinVar variation 142731 (VCV000142731.28), dbSNP rs587782678, ClinGen allele CA009471.

ClinVar aggregate classification (germline): Conflicting classifications of pathogenicity. Review status: criteria provided, conflicting classifications (1 of 4 stars). 8 submissions from 8 submitters: Uncertain significance (7); Likely benign (1). Last evaluated 2026-06-19.

Conditions:
APC-related disorder. Also called: APC-related condition.
Classic or attenuated familial adenomatous polyposis. Identifiers: MedGen CN372698, MONDO:0021057.
Hereditary cancer-predisposing syndrome. Also called: Tumor predisposition; Neoplastic Syndromes, Hereditary; Hereditary neoplastic syndrome; Hereditary Cancer Syndrome. Identifiers: Orphanet 140162, MedGen C0027672, MeSH D009386, MONDO:0015356.
Familial adenomatous polyposis 1 (FAP1). Also called: FAMILIAL ADENOMATOUS POLYPOSIS 1, ATTENUATED; POLYPOSIS, ADENOMATOUS INTESTINAL. Identifiers: MedGen C2713442, MONDO:0021056, OMIM 175100. Disease mechanism: loss of function.

Allele frequency attached by ClinVar (database versions not stated): ExAC 0.00002; gnomAD exomes 0.00002; TOPMed 0.00002.
gnomAD v4.1: 26 of 1,613,952 alleles (0.0016%); highest among the groups gnomAD compares: African/African-American, 0.0053%; no homozygotes.

Submissions (8):

Women's Health and Genetics/Laboratory Corporation of America, LabCorp
Classification: Uncertain significance. Last evaluated: 2026-06-19. Review status: criteria provided, single submitter. Criteria: LabCorp Variant Classification Summary - May 2015. Collection method: clinical testing. Allele origin: germline.
Comment: Variant summary: APC c.4349G>A (p.Arg1450Gln) results in a conservative amino acid change in the encoded protein sequence. Algorithms developed to predict the effect of missense changes on protein structure and function all suggest that this variant is likely to be tolerated. The variant allele was found at a frequency of 8e-06 in 251192 control chromosomes (gnomAD). The available data on variant occurrences in the general population are insufficient to allow any conclusion about variant significance. c.4349G>A has been reported in the literature in individuals affected with colorectal cancer, esophageal cancer and unknown cancer type (Schell_2016, Visser_2017, Sharaf_2025) without strong evidence for causality. To our knowledge, no experimental evidence demonstrating an impact on protein function has been reported. The following publications have been ascertained in the context of this evaluation (PMID: 27302369, 40657252, 28859360). ClinVar contains an entry for this variant (Variation ID: 142731). Based on the evidence outlined above, the variant was classified as uncertain significance.

Labcorp Genetics (formerly Invitae), Labcorp
Classification: Uncertain significance for Familial adenomatous polyposis 1. Last evaluated: 2026-02-03. Review status: criteria provided, single submitter. Criteria: Invitae Variant Classification Sherloc (09022015). Collection method: clinical testing. Allele origin: germline.
Comment: This sequence change replaces arginine, which is basic and polar, with glutamine, which is neutral and polar, at codon 1450 of the APC protein (p.Arg1450Gln). This variant is present in population databases (rs587782678, gnomAD 0.003%). This variant has not been reported in the literature in individuals affected with APC-related conditions. ClinVar contains an entry for this variant (Variation ID: 142731). Invitae Evidence Modeling of protein sequence and biophysical properties (such as structural, functional, and spatial information, amino acid conservation, physicochemical variation, residue mobility, and thermodynamic stability) indicates that this missense variant is not expected to disrupt APC protein function with a negative predictive value of 95%. In summary, the available evidence is currently insufficient to determine the role of this variant in disease. Therefore, it has been classified as a Variant of Uncertain Significance.

PreventionGenetics, part of Exact Sciences
Classification: Uncertain significance for APC-related condition. Last evaluated: 2025-08-27. Review status: criteria provided, single submitter. Criteria: ACMG Guidelines, 2015. Collection method: clinical testing. Allele origin: germline.
Comment: The APC c.4349G>A variant is predicted to result in the amino acid substitution p.Arg1450Gln. This variant has been reported in individuals affected with colorectal cancer and esophageal cancer (described as R1432Q in Supplementary Data 1, Schell et al. 2016. PubMed ID: 27302369; described as p.Arg1448Gln in Table S3, Visser et al. 2017. PubMed ID: 28859360). This variant is reported in 0.0033% of alleles in individuals of South Asian descent in gnomAD. This variant has conflicting interpretations ranging from uncertain significance to likely benign in ClinVar (Variation ID: 142731). At this time, the clinical significance of this variant is uncertain due to the absence of conclusive functional and genetic evidence.

Baylor Genetics
Classification: Uncertain significance for Familial adenomatous polyposis 1. Last evaluated: 2023-12-21. Review status: criteria provided, single submitter. Criteria: ACMG Guidelines, 2015. Collection method: clinical testing. Allele origin: unknown.

All of Us Research Program, National Institutes of Health
Classification: Uncertain significance for Classic or attenuated familial adenomatous polyposis. Last evaluated: 2023-12-13. Review status: criteria provided, single submitter. Criteria: ACMG Guidelines, 2015. Collection method: clinical testing. Allele origin: germline. Inheritance: Autosomal dominant inheritance. Observed: 3 variant alleles, 3 heterozygotes.
Comment: This missense variant replaces arginine with glutamine at codon 1450 of the APC protein. Computational prediction suggests that this variant may not impact protein structure and function (internally defined REVEL score threshold <= 0.5, PMID: 27666373). To our knowledge, functional studies have not been reported for this variant. This variant has not been reported in individuals affected with APC-related disorders in the literature. This variant has been identified in 2/251192 chromosomes in the general population by the Genome Aggregation Database (gnomAD). The available evidence is insufficient to determine the role of this variant in disease conclusively. Therefore, this variant is classified as a Variant of Uncertain Significance.

This study involves interpretation of variants in research participants for the purpose of population health screening. Participant phenotype was not available at the time of variant classification. Additional details can be found in publication PMID: 35346344, PMCID: PMC8962531

Color Diagnostics, LLC DBA Color Health
Classification: Uncertain significance for Hereditary cancer-predisposing syndrome. Last evaluated: 2023-11-02. Review status: criteria provided, single submitter. Criteria: ACMG Guidelines, 2015. Collection method: clinical testing. Allele origin: germline.
Comment: This missense variant replaces arginine with glutamine at codon 1450 of the APC protein. Computational prediction suggests that this variant may not impact protein structure and function (internally defined REVEL score threshold <= 0.5, PMID: 27666373). To our knowledge, functional studies have not been reported for this variant. This variant has not been reported in individuals affected with APC-related disorders in the literature. This variant has been identified in 2/251192 chromosomes in the general population by the Genome Aggregation Database (gnomAD). The available evidence is insufficient to determine the role of this variant in disease conclusively. Therefore, this variant is classified as a Variant of Uncertain Significance.

GeneDx
Classification: Uncertain significance. Last evaluated: 2021-06-15. Review status: criteria provided, single submitter. Criteria: GeneDx Variant Classification Process June 2021. Collection method: clinical testing. Allele origin: germline. Affected: yes.
Comment: Not observed at significant frequency in large population cohorts (Lek et al., 2016); In silico analysis supports that this missense variant does not alter protein structure/function; Has not been previously published as pathogenic or benign to our knowledge; This variant is associated with the following publications: (PMID: 27535533, 18199528, 27499925, 27882345)

Ambry Genetics
Classification: Likely benign for Hereditary cancer-predisposing syndrome. Last evaluated: 2019-03-27. Review status: criteria provided, single submitter. Criteria: Ambry Variant Classification Scheme 2023. Collection method: clinical testing. Allele origin: germline.

Literature cited by the submitters: PubMed 27302369 (cited by Women's Health and Genetics/Laboratory Corporation of America, LabCorp); PubMed 28859360 (cited by Women's Health and Genetics/Laboratory Corporation of America, LabCorp); PubMed 40657252 (cited by Women's Health and Genetics/Laboratory Corporation of America, LabCorp).